The following is an entry in ClinVar:

NM_018979.4(WNK1):c.6061A>G (p.Arg2021Gly)

Gene: WNK1 (WNK lysine deficient protein kinase 1; plus strand). Cytogenetic location: 12p13.33.
Variant type: single nucleotide variant.
Coding change: c.6061A>G on transcript NM_018979.4 (MANE Select); coding-DNA position 6061, A replaced by G.
Protein change: p.Arg2021Gly; replaces arginine 2021 with glycine.
Molecular consequence: missense variant.
Genome position (GRCh38, 1-based): chr12:896,548, A>G. VCF-style: chr12-896548-A-G. GRCh37 (hg19) VCF-style: chr12-1005714-A-G.
Other names: c.6841A>G, p.Arg2281Gly (NM_001184985.2); c.5317A>G, p.Arg1773Gly (NM_014823.3); c.6817A>G, p.Arg2273Gly (NM_213655.5); short protein forms R2021G, R2281G, R1773G, R2273G.
Identifiers: ClinVar variation 952887 (VCV000952887.10), dbSNP rs1954746383, ClinGen allele CA383336328.

ClinVar aggregate classification (germline): Uncertain significance. Review status: criteria provided, multiple submitters, no conflicts (2 of 4 stars). 2 submissions from 2 submitters: Uncertain significance (2). Last evaluated 2024-08-19.

Conditions:
Neuropathy, hereditary sensory and autonomic, type 2A (HSAN2A). Also called: ACROOSTEOLYSIS, GIACCAI TYPE; ACROOSTEOLYSIS, NEUROGENIC; WNK1-Related HSAN2 (HSAN2A); HSAN IIA; MORVAN DISEASE; NEUROPATHY, CONGENITAL SENSORY. Identifiers: Orphanet 970, MedGen C2752089, MONDO:0024309, OMIM 201300.
Pseudohypoaldosteronism type 2C (PHA2C). Also called: Pseudohypoaldosteronism Type IIC. Identifiers: Orphanet 757, Orphanet 88940, MedGen C1840391, MONDO:0013778, OMIM 614492.

Allele frequency attached by ClinVar (database versions not stated): gnomAD exomes below 0.00001.
gnomAD v4.1: 5 of 1,613,422 alleles (0.00031%); highest among the groups gnomAD compares: Non-Finnish European, 0.00042%; no homozygotes.

Submissions (2):

Labcorp Genetics (formerly Invitae), Labcorp
Classification: Uncertain significance for Neuropathy, hereditary sensory and autonomic, type 2A; Pseudohypoaldosteronism type 2C. Last evaluated: 2024-08-19. Review status: criteria provided, single submitter. Criteria: Invitae Variant Classification Sherloc (09022015). Collection method: clinical testing. Allele origin: germline.
Comment: This sequence change replaces arginine, which is basic and polar, with glycine, which is neutral and non-polar, at codon 2273 of the WNK1 protein (p.Arg2273Gly). This variant is not present in population databases (gnomAD no frequency). This variant has not been reported in the literature in individuals affected with WNK1-related conditions. ClinVar contains an entry for this variant (Variation ID: 952887). Invitae Evidence Modeling of protein sequence and biophysical properties (such as structural, functional, and spatial information, amino acid conservation, physicochemical variation, residue mobility, and thermodynamic stability) indicates that this missense variant is not expected to disrupt WNK1 protein function with a negative predictive value of 95%. In summary, the available evidence is currently insufficient to determine the role of this variant in disease. Therefore, it has been classified as a Variant of Uncertain Significance.

Fulgent Genetics
Classification: Uncertain significance for Neuropathy, hereditary sensory and autonomic, type 2A; Pseudohypoaldosteronism type 2C. Last evaluated: 2021-12-22. Review status: criteria provided, single submitter. Criteria: ACMG Guidelines, 2015. Collection method: clinical testing. Allele origin: unknown.